The following is an entry in ClinVar:

ClinVar aggregate classification (germline): Likely benign (1 of 4 stars; one submission).

Conditions:
NOS1AP-related disorder. Also called: NOS1AP-related condition.

gnomAD v4.1: 43 of 1,613,930 alleles (0.0027%); highest among the groups gnomAD compares: East Asian, 0.049%; no homozygotes.

Submission:

PreventionGenetics, part of Exact Sciences
Classification: Likely benign for NOS1AP-related condition. Last evaluated: 2026-03-26. Review status: criteria provided, single submitter. Criteria: ACMG Guidelines, 2015. Collection method: clinical testing. Allele origin: germline.
Comment: This variant is classified as likely benign based on ACMG/AMP sequence variant interpretation guidelines (Richards et al. 2015 PMID: 25741868, with internal and published modifications).

NM_014697.3(NOS1AP):c.978G>A (p.Ala326=)

Gene: NOS1AP (nitric oxide synthase 1 adaptor protein; plus strand). Cytogenetic location: 1q23.3.
Variant type: single nucleotide variant.
Coding change: c.978G>A on transcript NM_014697.3 (MANE Select); coding-DNA position 978, G replaced by A.
Protein change: p.Ala326=; no amino-acid change (alanine 326 retained).
Molecular consequence: synonymous variant.
Genome position (GRCh38, 1-based): chr1:162,365,442, G>A. VCF-style: chr1-162365442-G-A. GRCh37 (hg19) VCF-style: chr1-162335232-G-A.
Other names: c.93G>A, p.Ala31= (NM_001126060.2); c.963G>A, p.Ala321= (NM_001164757.2).
Identifiers: ClinVar variation 4979525 (VCV004979525.1).
Genomic context (GRCh38, chr1:162,365,442, plus strand): 5'-TGCCGCTGCCTCTTCTCTGCAGGTACACTTGCTGAAGGACCAGTTGGCTGCTGAGGCTGC[G>A]GCGCGGCTGGAGGCCCAGGCTCGCGTGCATCAGCTTTTGCTGCAGAACAAGGACATGCTC-3'
Protein context (NP_055512.1, residues 316-336): LLKDQLAAEA[Ala326=]ARLEAQARVH